The following is an entry in ClinVar:

ClinVar aggregate classification (germline): Benign (1 of 4 stars; one submission).

Conditions:
Papillary renal cell carcinoma type 1 (RCCP1). Also called: Renal adenocarcinoma; Renal cell carcinoma 1; Renal cell carcinoma, somatic; RENAL CELL CARCINOMA, PAPILLARY, 1, SOMATIC. Identifiers: Orphanet 47044, MedGen C1336839, OMIM 605074, HP:0011797.

Submission:

Myriad Genetics, Inc.
Classification: Benign for Papillary renal cell carcinoma type 1. Last evaluated: 2024-11-13. Review status: criteria provided, single submitter. Criteria: Myriad Autosomal Dominant, Autosomal Recessive and X-Linked Classification Criteria (2023). Collection method: clinical testing. Allele origin: unknown.
Comment: This variant is considered benign. This variant is a silent/synonymous amino acid change and it is not expected to impact splicing.

NM_000245.4(MET):c.3483A>G (p.Lys1161=)

Gene: MET (MET proto-oncogene, receptor tyrosine kinase; plus strand). Cytogenetic location: 7q31.2.
Variant type: single nucleotide variant.
Coding change: c.3483A>G on transcript NM_000245.4 (MANE Select); coding-DNA position 3483, A replaced by G.
Protein change: p.Lys1161=; no amino-acid change (lysine 1161 retained).
Molecular consequence: synonymous variant.
Genome position (GRCh38, 1-based): chr7:116,778,918, A>G. VCF-style: chr7-116778918-A-G. GRCh37 (hg19) VCF-style: chr7-116418972-A-G.
Other names: c.3537A>G, p.Lys1179= (NM_001127500.3); c.2193A>G, p.Lys731= (NM_001324402.2).
Identifiers: ClinVar variation 3773114 (VCV003773114.1).